The following is an entry in ClinVar:

NM_001308120.2(TOGARAM1):c.1112C>A (p.Ala371Asp)

Gene: TOGARAM1 (TOG array regulator of axonemal microtubules 1; plus strand). Cytogenetic location: 14q21.2.
Variant type: single nucleotide variant.
Coding change: c.1112C>A on transcript NM_001308120.2 (MANE Select); coding-DNA position 1112, C replaced by A.
Protein change: p.Ala371Asp; replaces alanine 371 with aspartic acid.
Molecular consequence: missense variant. On other transcripts: non-coding transcript variant (1).
Genome position (GRCh38, 1-based): chr14:44,963,533, C>A. VCF-style: chr14-44963533-C-A. GRCh37 (hg19) VCF-style: chr14-45432736-C-A.
Other names: c.1112C>A (NM_001308120.1, NM_015091.3); c.1112C>A, p.Ala371Asp (NM_015091.4); short protein forms A371D.
Identifiers: ClinVar variation 979059 (VCV000979059.6), dbSNP rs370676288, ClinGen allele CA7167012.
Genomic context (GRCh38, chr14:44,963,533, plus strand): 5'-TTCCTCAGGAGCTGCATTCACGATTATTGGATCAGGAAGACTATAAGAACCGGACCCAGG[C>A]CGTCGAAGAACTAAAGCAGGTGCTGGGAAAATTTAACCCTAGTTCTACTCCTCATTCTAG-3'
Protein context (NP_001295049.1, residues 361-381): DQEDYKNRTQ[Ala371Asp]VEELKQVLGK

ClinVar aggregate classification (germline): Conflicting classifications of pathogenicity. Review status: criteria provided, conflicting classifications (1 of 4 stars). 5 submissions from 5 submitters: Pathogenic (1); Uncertain significance (3). 1 of the submissions does not count toward it. Last evaluated 2025-11-30.

Conditions:
TOGARAM1-related condition.
Joubert syndrome. Also called: Familial aplasia of the vermis; JOUBERT-BOLTSHAUSER SYNDROME. Identifiers: Orphanet 475, MedGen C5979921, MONDO:0018772.

Allele frequency attached by ClinVar (database versions not stated): ExAC 0.00001; gnomAD 0.00002 and 0.00003; gnomAD exomes 0.00002 and 0.00005; TOPMed 0.00006; ESP Exome Variant Server 0.00008.

Submissions (5):

PreventionGenetics, part of Exact Sciences
Classification: Uncertain significance for TOGARAM1-related condition. Last evaluated: 2025-11-30. Review status: criteria provided, single submitter. Criteria: ACMG Guidelines, 2015. Collection method: clinical testing. Allele origin: germline.
Comment: The TOGARAM1 c.1112C>A variant is predicted to result in the amino acid substitution p.Ala371Asp. This variant has been reported in the compound heterozygous state with a pathogenic TOGARAM1 variant in an individual with Joubert syndrome (Table 1, Latour et al. 2020. PubMed ID: 32453716). This variant has conflicting classifications listed in ClinVar ranging from uncertain to pathogenic (ClinVar ID: 979059). This variant is reported in 0.0040% of alleles in individuals of African descent in gnomAD. Although we suspect that this variant may be pathogenic, at this time, the clinical significance of this variant is uncertain due to the absence of conclusive functional and genetic evidence.

GeneDx
Classification: Uncertain significance. Last evaluated: 2022-06-13. Review status: criteria provided, single submitter. Criteria: GeneDx Variant Classification Process June 2021. Collection method: clinical testing. Allele origin: germline. Affected: yes.
Comment: In silico analysis supports that this missense variant does not alter protein structure/function; This variant is associated with the following publications: (PMID: 32453716)

UW Hindbrain Malformation Research Program, University of Washington
Classification: Pathogenic for Joubert syndrome. Last evaluated: 2020-05-26. Review status: criteria provided, single submitter. Criteria: Latour BL et al. (J Clin Invest 2020). Collection method: research. Allele origin: maternal. Affected: yes.

Cambridge Genomics Laboratory, East Genomic Laboratory Hub, NHS Genomic Medicine Service
Classification: Uncertain significance for Joubert syndrome. Last evaluated: 2020-03-02. Review status: criteria provided, single submitter. Criteria: ACGS Best Practice Guidelines for Variant Classification in Rare Disease 2020. Collection method: clinical testing. Allele origin: germline. Affected: yes. Observed: 1 variant allele.

University of Washington Center for Mendelian Genomics, University of Washington
Classification: Likely pathogenic for Joubert syndrome. Review status: no assertion criteria provided. Collection method: research. Allele origin: unknown. Affected: yes. Not counted in ClinVar's aggregate classification.

Literature cited by the submitters: PubMed 32453716 (cited by University of Washington Center for Mendelian Genomics, University of Washington).